The following is an entry in ClinVar:

NC_000013.11:g.48303685del

Genes: RB1 (RB transcriptional corepressor 1; plus strand), RB1-DT (RB1 divergent transcript; minus strand). Cytogenetic location: 13q14.2.
Variant type: Deletion.
Molecular consequence: non-coding transcript variant (on NR_046414.2).
Genome position: GRCh38 VCF-style: chr13-48303682-GC-G. GRCh37 (hg19) VCF-style: chr13-48877818-GC-G.
Identifiers: ClinVar variation 3667668 (VCV003667668.2).

ClinVar aggregate classification (germline): Uncertain significance (1 of 4 stars; one submission).

Conditions:
Retinoblastoma (RB1). Also called: RETINOBLASTOMA, SOMATIC. Identifiers: Orphanet 790, MedGen C0035335, MeSH D012175, MONDO:0008380, OMIM 180200, HP:0009919. Disease mechanism: loss of function. Inheritance: Both sporadic and heritable forms are tested..

Submission:

Labcorp Genetics (formerly Invitae), Labcorp
Classification: Uncertain significance for Retinoblastoma. Last evaluated: 2025-02-13. Review status: criteria provided, single submitter. Criteria: Invitae Variant Classification Sherloc (09022015). Collection method: clinical testing. Allele origin: germline.
Comment: This variant occurs in a non-coding region of the RB1 gene. It does not change the encoded amino acid sequence of the RB1 protein. This variant is not present in population databases (gnomAD no frequency). This variant has not been reported in the literature in individuals affected with RB1-related conditions. Experimental studies and prediction algorithms are not available or were not evaluated, and the functional significance of this variant is currently unknown. In summary, the available evidence is currently insufficient to determine the role of this variant in disease. Therefore, it has been classified as a Variant of Uncertain Significance.